The following is an entry in ClinVar:

ClinVar aggregate classification (germline): Uncertain significance (1 of 4 stars; one submission).

Allele frequency attached by ClinVar (database versions not stated): ExAC 0.00001.
gnomAD v4.1: 1 of 1,614,164 alleles (0.000062%); no homozygotes.

Submission:

Labcorp Genetics (formerly Invitae), Labcorp
Classification: Uncertain significance. Last evaluated: 2023-06-20. Review status: criteria provided, single submitter. Criteria: Invitae Variant Classification Sherloc (09022015). Collection method: clinical testing. Allele origin: germline.
Comment: This sequence change affects codon 457 of the GANAB mRNA. It is a 'silent' change, meaning that it does not change the encoded amino acid sequence of the GANAB protein. This variant has not been reported in the literature in individuals affected with GANAB-related conditions. This variant is present in population databases (rs752572197, gnomAD 0.0009%). In summary, the available evidence is currently insufficient to determine the role of this variant in disease. Therefore, it has been classified as a Variant of Uncertain Significance. Algorithms developed to predict the effect of sequence changes on RNA splicing suggest that this variant may disrupt the consensus splice site.

NM_198334.3(GANAB):c.1305C>T (p.Gly435=)

Gene: GANAB (glucosidase II alpha subunit; minus strand). Cytogenetic location: 11q12.3.
Variant type: single nucleotide variant.
Coding change: c.1305C>T on transcript NM_198334.3 (MANE Select); coding-DNA position 1305, C replaced by T.
Protein change: p.Gly435=; no amino-acid change (glycine 435 retained).
Molecular consequence: synonymous variant.
Genome position (GRCh38, 1-based): chr11:62,630,682, G>A on the plus strand (C>T on the coding strand, the complement: GANAB is on the minus strand). VCF-style: chr11-62630682-G-A. GRCh37 (hg19) VCF-style: chr11-62398154-G-A.
Other names: c.1029C>T, p.Gly343= (NM_001278192.2); c.963C>T, p.Gly321= (NM_001278193.2); c.1014C>T, p.Gly338= (NM_001278194.2, NM_001329222.2, NM_001329223.2); c.582C>T, p.Gly194= (NM_001329224.2, NM_001329225.2); c.1371C>T, p.Gly457= (NM_198335.4).
Identifiers: ClinVar variation 2718652 (VCV002718652.3), dbSNP rs752572197, ClinGen allele CA6050820.